The following is an entry in ClinVar:

ClinVar aggregate classification (germline): Uncertain significance (1 of 4 stars; one submission).

Conditions:
Dyskeratosis congenita. Identifiers: Orphanet 1775, MedGen C0265965, MONDO:0015780.

Submission:

Labcorp Genetics (formerly Invitae), Labcorp
Classification: Uncertain significance for Dyskeratosis congenita. Last evaluated: 2022-03-11. Review status: criteria provided, single submitter. Criteria: Invitae Variant Classification Sherloc (09022015). Collection method: clinical testing. Allele origin: germline.
Comment: In summary, the available evidence is currently insufficient to determine the role of this variant in disease. Therefore, it has been classified as a Variant of Uncertain Significance. This sequence change replaces leucine, which is neutral and non-polar, with histidine, which is basic and polar, at codon 466 of the CTC1 protein (p.Leu466His). This variant is not present in population databases (gnomAD no frequency). This variant has not been reported in the literature in individuals affected with CTC1-related conditions. Algorithms developed to predict the effect of missense changes on protein structure and function are either unavailable or do not agree on the potential impact of this missense change (SIFT: "Deleterious"; PolyPhen-2: "Probably Damaging"; Align-GVGD: "Class C0").

NM_025099.6(CTC1):c.1397T>A (p.Leu466His)

Gene: CTC1 (CST telomere replication complex component 1; minus strand). Cytogenetic location: 17p13.1.
Variant type: single nucleotide variant.
Coding change: c.1397T>A on transcript NM_025099.6 (MANE Select); coding-DNA position 1397, T replaced by A.
Protein change: p.Leu466His; replaces leucine 466 with histidine.
Molecular consequence: missense variant. On other transcripts: non-coding transcript variant (1).
Genome position (GRCh38, 1-based): chr17:8,235,095, A>T on the plus strand (T>A on the coding strand, the complement: CTC1 is on the minus strand). VCF-style: chr17-8235095-A-T. GRCh37 (hg19) VCF-style: chr17-8138413-A-T.
Other names: c.1397T>A, p.Leu466His (NM_001411067.1); short protein forms L466H.
Identifiers: ClinVar variation 2185664 (VCV002185664.4), dbSNP rs2507923071, ClinGen allele CA397984531.